The following is an entry in ClinVar:

ClinVar aggregate classification (germline): Likely benign (1 of 4 stars; one submission).

Conditions:
Progressive sclerosing poliodystrophy (MTDPS4A). Also called: Alpers-Huttenlocher Syndrome (AHS); Alpers Syndrome; ALPERS PROGRESSIVE INFANTILE POLIODYSTROPHY; Mitochondrial DNA depletion syndrome 4A (Alpers type); ALPERS DIFFUSE DEGENERATION OF CEREBRAL GRAY MATTER WITH HEPATIC CIRRHOSIS; Alpers-Huttenlocher Syndrome. Identifiers: Orphanet 726, MedGen C0205710, MONDO:0008758, OMIM 203700.

Submission:

Wong Mito Lab, Molecular and Human Genetics, Baylor College of Medicine
Classification: Likely benign for Progressive sclerosing poliodystrophy. Last evaluated: 2018-10-01. Review status: criteria provided, single submitter. Criteria: ACMG Guidelines, 2015. Collection method: clinical testing. Allele origin: germline.
Comment: The NM_002693.2:c.1585+32_1585+36dup (NP_002684.1:p.=) [GRCH38: NC_000015.10:g.89326888_89326892dup] variant in POLG gene is interpretated to be a Likely Benign based on ACMG guidelines (PMID: 25741868). This variant meets the following evidence codes reported in the ACMG-guideline. BP4:Computational evidence/predictors indicate no impact on the POLG structure, function, or protein-protein interaction. BP6:Reputable source(s) without shared data suggest the variant is benign. Based on the evidence criteria codes applied, the variant is suggested to be Likely Benign.

NM_002693.3(POLG):c.1585+22TAGGG[4]

Gene: POLG (DNA polymerase gamma, catalytic subunit; minus strand). Cytogenetic location: 15q26.1.
Variant type: Microsatellite.
Coding change: c.1585+22TAGGG[4] on transcript NM_002693.3 (MANE Select); four copies in a row of the 5-base unit TAGGG starting at c.1585+22; the reference has three copies in a row; one copy, 5 bases duplicated.
Molecular consequence: intron variant.
Genome position (GRCh38, 1-based): chr15:89,326,876-89,326,880, CCCTA duplicated on the plus strand (TAGGG on the coding strand, the reverse complement: POLG is on the minus strand); duplicating any 5 consecutive bases within chr15:89,326,876-89,326,892 gives the same sequence; the position shown is the placement nearest the transcript's 3' end. VCF-style (leftmost placement, unchanged base first): chr15-89326875-C-CCCCTA. GRCh37 (hg19) VCF-style: chr15-89870106-C-CCCCTA.
Other names: c.1585+22TAGGG[4] (NM_001126131.2); c.1585+32_1585+36dup (NM_002693.2).
Identifiers: ClinVar variation 619457 (VCV000619457.1), dbSNP rs777442304, ClinGen allele CA10602195.